The following is an entry in ClinVar:

NM_000260.4(MYO7A):c.973_976del (p.Ile325fs)

Gene: MYO7A (myosin VIIA; plus strand). Cytogenetic location: 11q13.5.
Variant type: Deletion.
Coding change: c.973_976del on transcript NM_000260.4 (MANE Select); coding-DNA positions 973 to 976, 4 bases deleted (ATCC; older notation c.973_976delATCC).
Protein change: p.Ile325fs; shifts the reading frame from isoleucine 325.
Molecular consequence: frameshift variant.
Genome position (GRCh38, 1-based): chr11:77,158,400-77,158,403, ATCC deleted; deleting any 4 consecutive bases within chr11:77,158,398-77,158,403 gives the same sequence; the c. name uses the placement nearest the transcript's 3' end. VCF-style (leftmost placement, unchanged base first): chr11-77158397-GCCAT-G. GRCh37 (hg19) VCF-style: chr11-76869443-GCCAT-G.
Other names: c.973_976del, p.Ile325fs (NM_001127180.2); c.940_943del, p.Ile314fs (NM_001369365.1); short protein forms I314fs, I325fs.
Identifiers: ClinVar variation 164663 (VCV000164663.5), dbSNP rs797044490, ClinGen allele CA278719.

ClinVar aggregate classification (germline): Pathogenic/Likely pathogenic. Review status: criteria provided, multiple submitters, no conflicts (2 of 4 stars). 2 submissions from 2 submitters: Pathogenic (1); Likely pathogenic (1). Last evaluated 2022-10-31.

Conditions:
Rare genetic deafness. Identifiers: Orphanet 96210, MedGen C5680250.
MYO7A-related disorder. Also called: MYO7A-related disorders.

Submissions (2):

Blueprint Genetics
Classification: Likely pathogenic for MYO7A-related disorders. Last evaluated: 2022-10-31. Review status: criteria provided, single submitter. Criteria: ACMG Guidelines, 2015. Collection method: clinical testing. Allele origin: germline. Affected: yes. Observed: 1 variant allele.

Laboratory for Molecular Medicine, Mass General Brigham Personalized Medicine
Classification: Pathogenic for Rare genetic deafness. Last evaluated: 2013-05-07. Review status: criteria provided, single submitter. Criteria: LMM Criteria. Collection method: clinical testing. Allele origin: germline. Inheritance: Autosomal recessive inheritance. Observed: 1 variant allele.
Comment: The Ile325fs variant in MYO7A has not been reported in the literature nor previo usly identified by our laboratory. This frameshift variant is predicted to alter the protein?s amino acid sequence beginning at position 325 and lead to a prema ture termination codon 36 amino acids downstream. This alteration is then predic ted to lead to a truncated or absent protein. In summary, this variant meets our criteria to be classified as pathogenic.